The following is an entry in ClinVar:

NM_001845.6(COL4A1):c.4484G>A (p.Arg1495His)

Gene: COL4A1 (collagen type IV alpha 1 chain; minus strand). Cytogenetic location: 13q34.
Variant type: single nucleotide variant.
Coding change: c.4484G>A on transcript NM_001845.6 (MANE Select); coding-DNA position 4484, G replaced by A.
Protein change: p.Arg1495His; replaces arginine 1495 with histidine.
Molecular consequence: missense variant.
Genome position (GRCh38, 1-based): chr13:110,161,348, C>T on the plus strand (G>A on the coding strand, the complement: COL4A1 is on the minus strand). VCF-style: chr13-110161348-C-T. GRCh37 (hg19) VCF-style: chr13-110813695-C-T.
Other names: c.4484G>A (NM_001845.4); short protein forms R1495H.
Identifiers: ClinVar variation 2156108 (VCV002156108.6), dbSNP rs758186758, ClinGen allele CA7046910.

ClinVar aggregate classification (germline): Uncertain significance. Review status: criteria provided, multiple submitters, no conflicts (2 of 4 stars). 3 submissions from 3 submitters: Uncertain significance (3). Last evaluated 2025-11-10.

Conditions:
Inborn genetic diseases. Identifiers: MedGen C0950123, MeSH D030342.

Allele frequency attached by ClinVar (database versions not stated): ExAC 0.00003; gnomAD 0.00004; TOPMed 0.00005.
gnomAD v4.1: 18 of 1,613,208 alleles (0.0011%); highest among the groups gnomAD compares: Middle Eastern, 0.017%; no homozygotes.

Submissions (3):

Labcorp Genetics (formerly Invitae), Labcorp
Classification: Uncertain significance. Last evaluated: 2025-11-10. Review status: criteria provided, single submitter. Criteria: Invitae Variant Classification Sherloc (09022015). Collection method: clinical testing. Allele origin: germline.
Comment: This sequence change replaces arginine, which is basic and polar, with histidine, which is basic and polar, at codon 1495 of the COL4A1 protein (p.Arg1495His). The frequency data for this variant in the population databases is considered unreliable, as metrics indicate poor data quality at this position in the gnomAD database. This variant has not been reported in the literature in individuals affected with COL4A1-related conditions. ClinVar contains an entry for this variant (Variation ID: 2156108). Invitae Evidence Modeling of protein sequence and biophysical properties (such as structural, functional, and spatial information, amino acid conservation, physicochemical variation, residue mobility, and thermodynamic stability) indicates that this missense variant is not expected to disrupt COL4A1 protein function with a negative predictive value of 95%. In summary, the available evidence is currently insufficient to determine the role of this variant in disease. Therefore, it has been classified as a Variant of Uncertain Significance.

Ambry Genetics
Classification: Uncertain significance for Inborn genetic diseases. Last evaluated: 2025-06-17. Review status: criteria provided, single submitter. Criteria: Ambry Variant Classification Scheme 2023. Collection method: clinical testing. Allele origin: germline.

GeneDx
Classification: Uncertain significance. Last evaluated: 2022-11-29. Review status: criteria provided, single submitter. Criteria: GeneDx Variant Classification Process June 2021. Collection method: clinical testing. Allele origin: germline. Affected: yes.
Comment: In silico analysis supports that this missense variant has a deleterious effect on protein structure/function; Has not been previously published as pathogenic or benign to our knowledge